The following is an entry in ClinVar:

ClinVar aggregate classification (germline): Likely pathogenic. Review status: criteria provided, multiple submitters, no conflicts (2 of 4 stars). 2 submissions from 2 submitters: Likely pathogenic (2). Last evaluated 2023-02-11.

Conditions:
Progressive sclerosing poliodystrophy (MTDPS4A). Also called: ALPERS PROGRESSIVE INFANTILE POLIODYSTROPHY; NEURONAL DEGENERATION OF CHILDHOOD WITH LIVER DISEASE, PROGRESSIVE; Mitochondrial DNA depletion syndrome 4A (Alpers type); Mitochondrial DNA Depletion Syndrome 4A; Alpers-Huttenlocher Syndrome (AHS); Alpers Syndrome. Identifiers: Orphanet 726, MedGen C0205710, MONDO:0008758, OMIM 203700.

Submissions (2):

Labcorp Genetics (formerly Invitae), Labcorp
Classification: Likely pathogenic for Progressive sclerosing poliodystrophy. Last evaluated: 2023-02-11. Review status: criteria provided, single submitter. Criteria: Invitae Variant Classification Sherloc (09022015). Collection method: clinical testing. Allele origin: germline.
Comment: This variant results in the deletion of part of exon 22 (c.3483-7_3509del) of the POLG gene. It is expected to disrupt RNA splicing. Variants that disrupt the donor or acceptor splice site typically lead to a loss of protein function (PMID: 16199547), and loss-of-function variants in POLG are known to be pathogenic (PMID: 18546365). This variant is present in population databases (rs752920956, gnomAD 0.007%). This variant has not been reported in the literature in individuals affected with POLG-related conditions. Algorithms developed to predict the effect of sequence changes on RNA splicing suggest that this variant may disrupt the consensus splice site. In summary, the currently available evidence indicates that the variant is pathogenic, but additional data are needed to prove that conclusively. Therefore, this variant has been classified as Likely Pathogenic.

Baylor Genetics
Classification: Likely pathogenic for Progressive sclerosing poliodystrophy. Last evaluated: 2022-07-05. Review status: criteria provided, single submitter. Criteria: ACMG Guidelines, 2015. Collection method: clinical testing. Allele origin: unknown.

Literature cited by the submitters: PubMed 16199547 (cited by Labcorp Genetics (formerly Invitae), Labcorp); PubMed 18546365 (cited by Labcorp Genetics (formerly Invitae), Labcorp).

NM_002693.3(POLG):c.3483-7_3509del

Gene: POLG (DNA polymerase gamma, catalytic subunit; minus strand). Cytogenetic location: 15q26.1.
Variant type: Deletion.
Coding change: c.3483-7_3509del on transcript NM_002693.3 (MANE Select); 7 bases into the intron before coding-DNA position 3483 through coding-DNA position 3509, 34 bases deleted.
Molecular consequence: splice acceptor variant.
Genome position (GRCh38, 1-based): chr15:89,317,510-89,317,543, 34 bases deleted; deleting any 34 consecutive bases within chr15:89,317,510-89,317,550 gives the same sequence; the c. name uses the placement nearest the transcript's 3' end. GRCh37 (hg19): chr15:89,860,748-89,860,781.
Other names: c.3483-7_3509del (NM_001126131.2).
Identifiers: ClinVar variation 2677964 (VCV002677964.4), dbSNP rs752920956, ClinGen allele CA7724108.